The following is an entry in ClinVar:

ClinVar aggregate classification (germline): Uncertain significance (1 of 4 stars; one submission).

Allele frequency attached by ClinVar (database versions not stated): gnomAD 0.00001; gnomAD exomes 0.00003 and 0.00007; ExAC 0.00008.
gnomAD v4.1: 44 of 1,613,830 alleles (0.0027%); highest among the groups gnomAD compares: South Asian, 0.046%; 1 homozygote.

Submission:

Labcorp Genetics (formerly Invitae), Labcorp
Classification: Uncertain significance. Last evaluated: 2024-04-06. Review status: criteria provided, single submitter. Criteria: Invitae Variant Classification Sherloc (09022015). Collection method: clinical testing. Allele origin: germline.
Comment: This sequence change replaces glutamic acid, which is acidic and polar, with lysine, which is basic and polar, at codon 2513 of the VCAN protein (p.Glu2513Lys). This variant is present in population databases (rs777752970, gnomAD 0.05%), and has an allele count higher than expected for a pathogenic variant. This variant has not been reported in the literature in individuals affected with VCAN-related conditions. ClinVar contains an entry for this variant (Variation ID: 1063841). Algorithms developed to predict the effect of missense changes on protein structure and function output the following: SIFT: "Not Available"; PolyPhen-2: "Benign"; Align-GVGD: "Not Available". The lysine amino acid residue is found in multiple mammalian species, which suggests that this missense change does not adversely affect protein function. In summary, the available evidence is currently insufficient to determine the role of this variant in disease. Therefore, it has been classified as a Variant of Uncertain Significance.

NM_004385.5(VCAN):c.7537G>A (p.Glu2513Lys)

Genes: VCAN (versican; plus strand), VCAN-AS1 (VCAN antisense RNA 1; minus strand). Cytogenetic location: 5q14.3.
Variant type: single nucleotide variant.
Coding change: c.7537G>A on transcript NM_004385.5 (MANE Select); coding-DNA position 7537, G replaced by A.
Protein change: p.Glu2513Lys; replaces glutamic acid 2513 with lysine.
Molecular consequence: missense variant. On other transcripts: intron variant (2).
Genome position (GRCh38, 1-based): chr5:83,540,540, G>A. VCF-style: chr5-83540540-G-A. GRCh37 (hg19) VCF-style: chr5-82836359-G-A.
Other names: c.4576G>A, p.Glu1526Lys (NM_001164097.2); c.4004-4997G>A (NM_001164098.2); c.1043-4997G>A (NM_001126336.3); short protein forms E1526K, E2513K.
Identifiers: ClinVar variation 1063841 (VCV001063841.7), dbSNP rs777752970, ClinGen allele CA3333654.